The following is an entry in ClinVar:

NM_001034853.2(RPGR):c.2283_2284del (p.Glu762fs)

Gene: RPGR (retinitis pigmentosa GTPase regulator; minus strand). Cytogenetic location: Xp11.4.
Variant type: Deletion.
Coding change: c.2283_2284del on transcript NM_001034853.2 (MANE Select); coding-DNA positions 2283 to 2284, 2 bases deleted (GG; older notation c.2283_2284delGG).
Protein change: p.Glu762fs; shifts the reading frame from glutamic acid 762.
Molecular consequence: frameshift variant. On other transcripts: intron variant (8).
Genome position (GRCh38, 1-based): chrX:38,286,715-38,286,716, CC deleted on the plus strand (GG on the coding strand, the reverse complement: RPGR is on the minus strand); deleting any 2 consecutive bases within chrX:38,286,715-38,286,718 gives the same sequence; the c. name uses the placement nearest the transcript's 3' end. VCF-style (leftmost placement, unchanged base first): chrX-38286714-TCC-T. GRCh37 (hg19) VCF-style: chrX-38145967-TCC-T.
Other names: c.1569+4243_1569+4244del (NM_001367249.1, NM_001367250.1); c.1902+378_1902+379del (NM_001367245.1); c.1386+4243_1386+4244del (NM_001367251.1); c.1719+378_1719+379del (NM_001367246.1); c.1572+4243_1572+4244del (NM_001367247.1); c.1905+378_1905+379del (NM_000328.3); c.1602+4243_1602+4244del (NM_001367248.1); short protein forms E762fs.
Identifiers: ClinVar variation 865977 (VCV000865977.7), dbSNP rs2067187127, ClinGen allele CA916083906.

ClinVar aggregate classification (germline): Pathogenic. Review status: criteria provided, multiple submitters, no conflicts (2 of 4 stars). 3 submissions from 3 submitters: Pathogenic (3). Last evaluated 2025-10-19.

Conditions:
Primary ciliary dyskinesia. Also called: Ciliary dyskinesia. Identifiers: Orphanet 244, MedGen C0008780, MONDO:0016575, HP:0012265.
RPGR-related disorder. Also called: RPGR-related condition.
Retinal dystrophy. Also called: Inherited retinal dystrophy. Identifiers: Orphanet 71862, MedGen C0854723, MeSH D058499, MONDO:0019118, HP:0000556.

Submissions (3):

Labcorp Genetics (formerly Invitae), Labcorp
Classification: Pathogenic for Primary ciliary dyskinesia. Last evaluated: 2025-10-19. Review status: criteria provided, single submitter. Criteria: Invitae Variant Classification Sherloc (09022015). Collection method: clinical testing. Allele origin: germline.
Comment: This sequence change creates a premature translational stop signal (p.Glu762Argfs*7) in the RPGR (ORF15) gene. While this is not anticipated to result in nonsense mediated decay, it is expected to disrupt the last 391 amino acid(s) of the RPGR (ORF15) protein. This variant is not present in population databases (gnomAD no frequency). This premature translational stop signal has been observed in individual(s) with clinical features of inherited retinal dystrophy (PMID: 34985506). ClinVar contains an entry for this variant (Variation ID: 865977). This variant disrupts a region of the RPGR (ORF15) protein in which other variant(s) (p.Leu1130Lysfs*13) have been determined to be pathogenic (PMID: 22264887). This suggests that this is a clinically significant region of the protein, and that variants that disrupt it are likely to be disease-causing. For these reasons, this variant has been classified as Pathogenic.

Blueprint Genetics
Classification: Pathogenic for RPGR-related disorders. Last evaluated: 2023-04-21. Review status: criteria provided, single submitter. Criteria: ACMG Guidelines, 2015. Collection method: clinical testing. Allele origin: germline. Affected: yes. Observed: 2 variant alleles.

Institute of Human Genetics, Univ. Regensburg, Univ. Regensburg
Classification: Pathogenic for Retinal dystrophy. Last evaluated: 2022-01-01. Review status: criteria provided, single submitter. Criteria: ACMG Guidelines, 2015. Collection method: clinical testing. Allele origin: germline. Affected: yes.

Literature cited by the submitters: PubMed 34985506 (cited by Labcorp Genetics (formerly Invitae), Labcorp and Institute of Human Genetics, Univ. Regensburg, Univ. Regensburg); PubMed 22264887 (cited by Labcorp Genetics (formerly Invitae), Labcorp).